The following is an entry in ClinVar:

NM_000093.5(COL5A1):c.492-16A>G

Gene: COL5A1 (collagen type V alpha 1 chain; plus strand). Cytogenetic location: 9q34.3.
Variant type: single nucleotide variant.
Coding change: c.492-16A>G on transcript NM_000093.5 (MANE Select); 16 bases into the intron before coding-DNA position 492, A replaced by G.
Molecular consequence: intron variant.
Genome position (GRCh38, 1-based): chr9:134,701,155, A>G. VCF-style: chr9-134701155-A-G. GRCh37 (hg19) VCF-style: chr9-137593001-A-G.
Other names: c.492-16A>G (NM_001278074.1).
Identifiers: ClinVar variation 668457 (VCV000668457.4), dbSNP rs775028310, ClinGen allele CA5318329.

ClinVar aggregate classification (germline): Likely benign. Review status: criteria provided, multiple submitters, no conflicts (2 of 4 stars). 2 submissions from 2 submitters: Likely benign (2). Last evaluated 2023-01-20.

Conditions:
Ehlers-Danlos syndrome, classic type, 1 (EDSCL1). Also called: EDS I; EHLERS-DANLOS SYNDROME, GRAVIS TYPE; EHLERS-DANLOS SYNDROME, SEVERE CLASSIC TYPE; Ehlers-Danlos Syndrome, Classic Type, COL5A1-Related; Ehlers-Danlos syndrome, type 1. Identifiers: MedGen C0268335, MONDO:0019567, OMIM 130000.

Allele frequency attached by ClinVar (database versions not stated): ExAC 0.00001; gnomAD exomes 0.00001 and below 0.00001; TOPMed 0.00001.
gnomAD v4.1: 3 of 1,613,676 alleles (0.00019%); highest among the groups gnomAD compares: Admixed American, 0.0033%; no homozygotes.

Submissions (2):

Labcorp Genetics (formerly Invitae), Labcorp
Classification: Likely benign for Ehlers-Danlos syndrome, classic type, 1. Last evaluated: 2023-01-20. Review status: criteria provided, single submitter. Criteria: Invitae Variant Classification Sherloc (09022015). Collection method: clinical testing. Allele origin: germline.

GeneDx
Classification: Likely benign. Last evaluated: 2018-05-21. Review status: criteria provided, single submitter. Criteria: GeneDx Variant Classification (06012015). Collection method: clinical testing. Allele origin: germline. Affected: yes.
Comment: This variant is considered likely benign or benign based on one or more of the following criteria: it is a conservative change, it occurs at a poorly conserved position in the protein, it is predicted to be benign by multiple in silico algorithms, and/or has population frequency not consistent with disease.